The following is an entry in ClinVar:

ClinVar aggregate classification (germline): Uncertain significance (1 of 4 stars; one submission).

Submission:

Ambry Genetics
Classification: Uncertain significance. Last evaluated: 2025-09-01. Review status: criteria provided, single submitter. Criteria: Ambry Variant Classification Scheme 2023. Collection method: clinical testing. Allele origin: germline.
Comment: The p.I873M variant (also known as c.2619C>G), located in coding exon 1 of the TET2 gene, results from a C to G substitution at nucleotide position 2619. The isoleucine at codon 873 is replaced by methionine, an amino acid with highly similar properties. This amino acid position is conserved. In addition, this alteration is predicted to be tolerated by in silico analysis. Based on the available evidence, the clinical significance of this variant remains unclear.

NM_001127208.3(TET2):c.2619C>G (p.Ile873Met)

Genes: TET2 (tet methylcytosine dioxygenase 2; plus strand), TET2-AS1 (TET2 antisense RNA 1; minus strand). Cytogenetic location: 4q24.
Variant type: single nucleotide variant.
Coding change: c.2619C>G on transcript NM_001127208.3 (MANE Select); coding-DNA position 2619, C replaced by G.
Protein change: p.Ile873Met; replaces isoleucine 873 with methionine.
Molecular consequence: missense variant.
Genome position (GRCh38, 1-based): chr4:105,236,561, C>G. VCF-style: chr4-105236561-C-G. GRCh37 (hg19) VCF-style: chr4-106157718-C-G.
Other names: c.2619C>G, p.Ile873Met (NM_017628.4); short protein forms I873M.
Identifiers: ClinVar variation 4183052 (VCV004183052.1).